The following is an entry in ClinVar:

ClinVar aggregate classification (germline): Benign (1 of 4 stars; one submission).

Allele frequency attached by ClinVar (database versions not stated): 1000 Genomes Project 0.49780; 1000 Genomes Project 30x 0.50265; TOPMed 0.56277; gnomAD 0.56630 and 0.56954.
gnomAD v4.1: 578,370 of 968,452 alleles (60%); highest among the groups gnomAD compares: Non-Finnish European, 63%; 176,493 homozygotes.

Submission:

GeneDx
Classification: Benign. Last evaluated: 2018-06-14. Review status: criteria provided, single submitter. Criteria: GeneDx Variant Classification (06012015). Collection method: clinical testing. Allele origin: germline. Affected: yes.
Comment: This variant is considered likely benign or benign based on one or more of the following criteria: it is a conservative change, it occurs at a poorly conserved position in the protein, it is predicted to be benign by multiple in silico algorithms, and/or has population frequency not consistent with disease.

NM_006073.4(TRDN):c.484+61C>T

Gene: TRDN (triadin; minus strand). Cytogenetic location: 6q22.31.
Variant type: single nucleotide variant.
Coding change: c.484+61C>T on transcript NM_006073.4 (MANE Select); 61 bases into the intron after coding-DNA position 484, C replaced by T.
Molecular consequence: intron variant.
Genome position (GRCh38, 1-based): chr6:123,530,445, G>A on the plus strand (C>T on the coding strand, the complement: TRDN is on the minus strand). VCF-style: chr6-123530445-G-A. GRCh37 (hg19) VCF-style: chr6-123851590-G-A.
Other names: c.484+61C>T (NM_001251987.2, NM_001256020.2, NM_001256021.2 and 1 more transcripts).
Identifiers: ClinVar variation 674815 (VCV000674815.1), dbSNP rs12198164, ClinGen allele CA147293447.